The following is an entry in ClinVar:

NM_006397.3(RNASEH2A):c.833A>C (p.Gln278Pro)

Gene: RNASEH2A (ribonuclease H2 subunit A; plus strand). Cytogenetic location: 19p13.13.
Variant type: single nucleotide variant.
Coding change: c.833A>C on transcript NM_006397.3 (MANE Select); coding-DNA position 833, A replaced by C.
Protein change: p.Gln278Pro; replaces glutamine 278 with proline.
Molecular consequence: missense variant.
Genome position (GRCh38, 1-based): chr19:12,813,399, A>C. VCF-style: chr19-12813399-A-C. GRCh37 (hg19) VCF-style: chr19-12924213-A-C.
Other names: short protein forms Q278P.
Identifiers: ClinVar variation 2131616 (VCV002131616.4), dbSNP rs375101809, ClinGen allele CA404269856.

ClinVar aggregate classification (germline): Uncertain significance (1 of 4 stars; one submission).

Conditions:
Aicardi-Goutieres syndrome 4. Identifiers: Orphanet 51, MedGen C1835912, MONDO:0012472, OMIM 610333.

Allele frequency attached by ClinVar (database versions not stated): TOPMed below 0.00001.
gnomAD v4.1: 2 of 1,614,048 alleles (0.00012%); highest among the groups gnomAD compares: Admixed American, 0.0033%; no homozygotes.

Submission:

Labcorp Genetics (formerly Invitae), Labcorp
Classification: Uncertain significance for Aicardi-Goutieres syndrome 4. Last evaluated: 2022-06-09. Review status: criteria provided, single submitter. Criteria: Invitae Variant Classification Sherloc (09022015). Collection method: clinical testing. Allele origin: germline.
Comment: In summary, the available evidence is currently insufficient to determine the role of this variant in disease. Therefore, it has been classified as a Variant of Uncertain Significance. Algorithms developed to predict the effect of missense changes on protein structure and function (SIFT, PolyPhen-2, Align-GVGD) all suggest that this variant is likely to be tolerated. This variant has not been reported in the literature in individuals affected with RNASEH2A-related conditions. This variant is not present in population databases (gnomAD no frequency). This sequence change replaces glutamine, which is neutral and polar, with proline, which is neutral and non-polar, at codon 278 of the RNASEH2A protein (p.Gln278Pro).